The following is an entry in ClinVar:

ClinVar aggregate classification (germline): Uncertain significance. Review status: criteria provided, multiple submitters, no conflicts (2 of 4 stars). 2 submissions from 2 submitters: Uncertain significance (2). Last evaluated 2023-07-03.

Conditions:
Inborn genetic diseases. Identifiers: MedGen C0950123, MeSH D030342.
Kleefstra syndrome 1 (KLEFS1). Identifiers: Orphanet 261494, MedGen C0795833, MONDO:0027407, OMIM 610253.

Allele frequency attached by ClinVar (database versions not stated): gnomAD exomes below 0.00001; ExAC 0.00001.
gnomAD v4.1: 2 of 1,612,190 alleles (0.00012%); highest among the groups gnomAD compares: East Asian, 0.0045%; no homozygotes.

Submissions (2):

Labcorp Genetics (formerly Invitae), Labcorp
Classification: Uncertain significance for Kleefstra syndrome 1. Last evaluated: 2023-07-03. Review status: criteria provided, single submitter. Criteria: Invitae Variant Classification Sherloc (09022015). Collection method: clinical testing. Allele origin: germline.
Comment: Advanced modeling of protein sequence and biophysical properties (such as structural, functional, and spatial information, amino acid conservation, physicochemical variation, residue mobility, and thermodynamic stability) performed at Invitae indicates that this missense variant is not expected to disrupt EHMT1 protein function. In summary, the available evidence is currently insufficient to determine the role of this variant in disease. Therefore, it has been classified as a Variant of Uncertain Significance. ClinVar contains an entry for this variant (Variation ID: 1516170). This variant has not been reported in the literature in individuals affected with EHMT1-related conditions. This variant is not present in population databases (gnomAD no frequency). This sequence change replaces valine, which is neutral and non-polar, with glutamic acid, which is acidic and polar, at codon 919 of the EHMT1 protein (p.Val919Glu).

Ambry Genetics
Classification: Uncertain significance for Inborn genetic diseases. Last evaluated: 2023-05-03. Review status: criteria provided, single submitter. Criteria: Ambry Variant Classification Scheme 2023. Collection method: clinical testing. Allele origin: germline.

NM_024757.5(EHMT1):c.2756T>A (p.Val919Glu)

Gene: EHMT1 (euchromatic histone lysine methyltransferase 1; plus strand). Cytogenetic location: 9q34.3.
Variant type: single nucleotide variant.
Coding change: c.2756T>A on transcript NM_024757.5 (MANE Select); coding-DNA position 2756, T replaced by A.
Protein change: p.Val919Glu; replaces valine 919 with glutamic acid.
Molecular consequence: missense variant.
Genome position (GRCh38, 1-based): chr9:137,811,504, T>A. VCF-style: chr9-137811504-T-A. GRCh37 (hg19) VCF-style: chr9-140705956-T-A.
Other names: c.2735T>A, p.Val912Glu (NM_001354263.2); c.2756T>A (NM_024757.4); short protein forms V912E, V919E.
Identifiers: ClinVar variation 1516170 (VCV001516170.7), dbSNP rs755525365, ClinGen allele CA5375053.